The following is an entry in ClinVar:

NM_001377540.1(SLMAP):c.1633G>A (p.Glu545Lys)

Gene: SLMAP (sarcolemma associated protein; plus strand). Cytogenetic location: 3p14.3.
Variant type: single nucleotide variant.
Coding change: c.1633G>A on transcript NM_001377540.1 (MANE Select); coding-DNA position 1633, G replaced by A.
Protein change: p.Glu545Lys; replaces glutamic acid 545 with lysine.
Molecular consequence: missense variant. On other transcripts: non-coding transcript variant (1), intron variant (1).
Genome position (GRCh38, 1-based): chr3:57,909,084, G>A. VCF-style: chr3-57909084-G-A. GRCh37 (hg19) VCF-style: chr3-57894811-G-A.
Other names: c.1582G>A, p.Glu528Lys (NM_001304420.3, NM_001377541.1, NM_001377542.1); c.1468G>A, p.Glu490Lys (NM_001304421.2, NM_001377557.1, NM_001377559.1); c.184G>A, p.Glu62Lys (NM_001304422.3, NM_001311178.2); c.61G>A, p.Glu21Lys (NM_001311179.2, NM_001377926.1, NM_001377927.1 and 1 more transcripts); c.1654G>A, p.Glu552Lys (NM_001377538.1); c.1633G>A, p.Glu545Lys (NM_001377539.1); c.1570G>A, p.Glu524Lys (NM_001377545.1); c.1531G>A, p.Glu511Lys (NM_001377549.1, NM_007159.5); and 8 more; short protein forms E507K, E552K, E62K, E466K, E511K, E524K, E528K, E21K.
Identifiers: ClinVar variation 1774639 (VCV001774639.3), dbSNP rs1409531494, ClinGen allele CA353407286.

ClinVar aggregate classification (germline): Uncertain significance (1 of 4 stars; one submission).

Allele frequency attached by ClinVar (database versions not stated): gnomAD 0.00001; TOPMed 0.00002; gnomAD exomes 0.00005.
gnomAD v4.1: 45 of 1,607,688 alleles (0.0028%); highest among the groups gnomAD compares: Non-Finnish European, 0.0038%; no homozygotes.

Submission:

Ambry Genetics
Classification: Uncertain significance. Last evaluated: 2025-03-25. Review status: criteria provided, single submitter. Criteria: Ambry Variant Classification Scheme 2023. Collection method: clinical testing. Allele origin: germline.
Comment: The p.E511K variant (also known as c.1531G>A), located in coding exon 16 of the SLMAP gene, results from a G to A substitution at nucleotide position 1531. The glutamic acid at codon 511 is replaced by lysine, an amino acid with similar properties. This amino acid position is conserved. In addition, the in silico prediction for this alteration is inconclusive. Since supporting evidence is limited at this time, the clinical significance of this alteration remains unclear.